The following is an entry in ClinVar:

ClinVar aggregate classification (germline): Uncertain significance (1 of 4 stars; one submission).

Conditions:
Pitt-Hopkins-like syndrome 2 (PTHSL2). Identifiers: Orphanet 221150, Orphanet 600663, MedGen C3280479, MONDO:0013690, OMIM 614325.

Allele frequency attached by ClinVar (database versions not stated): gnomAD exomes below 0.00001.
gnomAD v4.1: 2 of 1,614,068 alleles (0.00012%); highest among the groups gnomAD compares: Admixed American, 0.0017%; no homozygotes.

Submission:

Labcorp Genetics (formerly Invitae), Labcorp
Classification: Uncertain significance for Pitt-Hopkins-like syndrome 2. Last evaluated: 2024-10-22. Review status: criteria provided, single submitter. Criteria: Invitae Variant Classification Sherloc (09022015). Collection method: clinical testing. Allele origin: germline.
Comment: This sequence change replaces isoleucine, which is neutral and non-polar, with threonine, which is neutral and polar, at codon 1227 of the NRXN1 protein (p.Ile1227Thr). This variant is present in population databases (no rsID available, gnomAD 0.003%). This variant has not been reported in the literature in individuals affected with NRXN1-related conditions. ClinVar contains an entry for this variant (Variation ID: 1445464). Invitae Evidence Modeling of protein sequence and biophysical properties (such as structural, functional, and spatial information, amino acid conservation, physicochemical variation, residue mobility, and thermodynamic stability) has been performed for this missense variant. However, the output from this modeling did not meet the statistical confidence thresholds required to predict the impact of this variant on NRXN1 protein function. In summary, the available evidence is currently insufficient to determine the role of this variant in disease. Therefore, it has been classified as a Variant of Uncertain Significance.

NM_001330078.2(NRXN1):c.3560T>C (p.Ile1187Thr)

Gene: NRXN1 (neurexin 1; minus strand). Cytogenetic location: 2p16.3.
Variant type: single nucleotide variant.
Coding change: c.3560T>C on transcript NM_001330078.2 (MANE Select); coding-DNA position 3560, T replaced by C.
Protein change: p.Ile1187Thr; replaces isoleucine 1187 with threonine.
Molecular consequence: missense variant.
Genome position (GRCh38, 1-based): chr2:50,091,481, A>G on the plus strand (T>C on the coding strand, the complement: NRXN1 is on the minus strand). VCF-style: chr2-50091481-A-G. GRCh37 (hg19) VCF-style: chr2-50318619-A-G.
Other names: c.455T>C, p.Ile152Thr (NM_001330097.2, NM_138735.5, NM_001330091.2 and 1 more transcripts); c.3560T>C, p.Ile1187Thr (NM_004801.6, NM_001330086.2); c.3680T>C, p.Ile1227Thr (NM_001135659.3); c.3536T>C, p.Ile1179Thr (NM_001330077.2, NM_001330082.2); c.3494T>C, p.Ile1165Thr (NM_001330083.2, NM_001330084.2); c.3533T>C, p.Ile1178Thr (NM_001330085.2); c.3449T>C, p.Ile1150Thr (NM_001330087.2, NM_001330096.2); c.3479T>C, p.Ile1160Thr (NM_001330088.2); and 3 more; short protein forms I1150T, I1165T, I1178T, I1187T, I152T, I1160T, I1179T, I1170T.
Identifiers: ClinVar variation 1445464 (VCV001445464.8), dbSNP rs1485999288, ClinGen allele CA346819287.